The following is an entry in ClinVar:

ClinVar aggregate classification (germline): Uncertain significance (1 of 4 stars; one submission).

gnomAD v4.1: 1 of 1,612,502 alleles (0.000062%); highest among the groups gnomAD compares: Non-Finnish European, 0.000085%; no homozygotes.

Submission:

Ambry Genetics
Classification: Uncertain significance. Last evaluated: 2025-01-24. Review status: criteria provided, single submitter. Criteria: Ambry Variant Classification Scheme 2023. Collection method: clinical testing. Allele origin: germline.
Comment: The p.R492G variant (also known as c.1474A>G), located in coding exon 11 of the RINT1 gene, results from an A to G substitution at nucleotide position 1474. The arginine at codon 492 is replaced by glycine, an amino acid with dissimilar properties. This amino acid position is conserved. In addition, this alteration is predicted to be deleterious by in silico analysis. Based on the available evidence, the clinical significance of this variant remains unclear.

NM_021930.6(RINT1):c.1474A>G (p.Arg492Gly)

Gene: RINT1 (RAD50 interactor 1; plus strand). Cytogenetic location: 7q22.3.
Variant type: single nucleotide variant.
Coding change: c.1474A>G on transcript NM_021930.6 (MANE Select); coding-DNA position 1474, A replaced by G.
Protein change: p.Arg492Gly; replaces arginine 492 with glycine.
Molecular consequence: missense variant.
Genome position (GRCh38, 1-based): chr7:105,555,030, A>G. VCF-style: chr7-105555030-A-G. GRCh37 (hg19) VCF-style: chr7-105195477-A-G.
Other names: c.1240A>G, p.Arg414Gly (NM_001346599.2); c.451A>G, p.Arg151Gly (NM_001346600.2, NM_001346603.2); c.550A>G, p.Arg184Gly (NM_001346601.2); short protein forms R414G, R151G, R492G, R184G.
Identifiers: ClinVar variation 3789224 (VCV003789224.1).